The following is an entry in ClinVar:

ClinVar aggregate classification (germline): Likely benign (1 of 4 stars; one submission).

Submission:

GeneDx
Classification: Likely benign. Last evaluated: 2018-03-30. Review status: criteria provided, single submitter. Criteria: GeneDx Variant Classification (06012015). Collection method: clinical testing. Allele origin: germline. Affected: yes.
Comment: This variant is considered likely benign or benign based on one or more of the following criteria: it is a conservative change, it occurs at a poorly conserved position in the protein, it is predicted to be benign by multiple in silico algorithms, and/or has population frequency not consistent with disease.

NM_021911.3(GABRB2):c.-153+9C>A

Gene: GABRB2 (gamma-aminobutyric acid type A receptor subunit beta2; minus strand). Cytogenetic location: 5q34.
Variant type: single nucleotide variant.
Coding change: c.-153+9C>A on transcript NM_021911.3; 9 bases into the intron after 153 bases upstream of the start codon, C replaced by A.
Molecular consequence: intron variant.
Genome position (GRCh38, 1-based): chr5:161,548,050, G>T on the plus strand (C>A on the coding strand, the complement: GABRB2 is on the minus strand). VCF-style: chr5-161548050-G-T. GRCh37 (hg19) VCF-style: chr5-160975056-G-T.
Other names: c.-153+9C>A (NM_000813.3).
Identifiers: ClinVar variation 681398 (VCV000681398.3), dbSNP rs1581076957, ClinGen allele CA915942692.